The following is an entry in ClinVar:

ClinVar aggregate classification (germline): Likely benign (0 of 4 stars; one submission).

Conditions:
RNF135-related disorder. Also called: RNF135-related condition.

Allele frequency attached by ClinVar (database versions not stated): TOPMed below 0.00001; gnomAD 0.00004; gnomAD exomes 0.00009; ExAC 0.00012.
gnomAD v4.1: 142 of 1,613,970 alleles (0.0088%); highest among the groups gnomAD compares: South Asian, 0.14%; no homozygotes.

Submission:

PreventionGenetics, part of Exact Sciences
Classification: Likely benign for RNF135-related condition. Last evaluated: 2022-06-09. Review status: no assertion criteria provided. Collection method: clinical testing. Allele origin: germline.
Comment: This variant is classified as likely benign based on ACMG/AMP sequence variant interpretation guidelines (Richards et al. 2015 PMID: 25741868, with internal and published modifications).

NM_032322.4(RNF135):c.377C>T (p.Ala126Val)

Gene: RNF135 (ring finger protein 135; plus strand). Cytogenetic location: 17q11.2.
Variant type: single nucleotide variant.
Coding change: c.377C>T on transcript NM_032322.4 (MANE Select); coding-DNA position 377, C replaced by T.
Protein change: p.Ala126Val; replaces alanine 126 with valine.
Molecular consequence: missense variant.
Genome position (GRCh38, 1-based): chr17:30,984,621, C>T. VCF-style: chr17-30984621-C-T. GRCh37 (hg19) VCF-style: chr17-29311639-C-T.
Other names: c.377C>T, p.Ala126Val (NM_001184992.2, NM_197939.2); short protein forms A126V.
Identifiers: ClinVar variation 3054288 (VCV003054288.2), dbSNP rs763339124, ClinGen allele CA8485179.